The following is an entry in ClinVar:

NM_001271938.2(MEGF8):c.7352G>C (p.Cys2451Ser)

Gene: MEGF8 (multiple EGF like domains 8; plus strand). Cytogenetic location: 19q13.2.
Variant type: single nucleotide variant.
Coding change: c.7352G>C on transcript NM_001271938.2 (MANE Select); coding-DNA position 7352, G replaced by C.
Protein change: p.Cys2451Ser; replaces cysteine 2451 with serine.
Molecular consequence: missense variant.
Genome position (GRCh38, 1-based): chr19:42,375,589, G>C. VCF-style: chr19-42375589-G-C. GRCh37 (hg19) VCF-style: chr19-42879741-G-C.
Other names: c.7151G>C, p.Cys2384Ser (NM_001410.3); short protein forms C2384S, C2451S.
Identifiers: ClinVar variation 941433 (VCV000941433.9), dbSNP rs2039754626, ClinGen allele CA406139486.
Genomic context (GRCh38, chr19:42,375,589, plus strand): 5'-TTCACGGGAGTCCGCTGGGCGGCCAGCAGTGCTACCGCCTCATCTCGGTGGAGCAGGAGT[G>C]CTGCCTGGACCCCACGTCCCAGACCAACTGCTTCCATGAGCCCAAACGCCGGGCGCTAGG-3'
Protein context (NP_001258867.1, residues 2441-2461): CYRLISVEQE[Cys2451Ser]CLDPTSQTNC

ClinVar aggregate classification (germline): Uncertain significance (1 of 4 stars; one submission).

Conditions:
MEGF8-related Carpenter syndrome. Also called: Carpenter syndrome 2. Identifiers: Orphanet 65759, MedGen C3554247, MONDO:0013998, OMIM 614976.

Allele frequency attached by ClinVar (database versions not stated): gnomAD exomes below 0.00001.
gnomAD v4.1: 1 of 1,573,356 alleles (0.000064%); highest among the groups gnomAD compares: South Asian, 0.0012%; no homozygotes.

Submission:

Labcorp Genetics (formerly Invitae), Labcorp
Classification: Uncertain significance for MEGF8-related Carpenter syndrome. Last evaluated: 2022-09-06. Review status: criteria provided, single submitter. Criteria: Invitae Variant Classification Sherloc (09022015). Collection method: clinical testing. Allele origin: germline.
Comment: Algorithms developed to predict the effect of missense changes on protein structure and function (SIFT, PolyPhen-2, Align-GVGD) all suggest that this variant is likely to be tolerated. ClinVar contains an entry for this variant (Variation ID: 941433). This variant has not been reported in the literature in individuals affected with MEGF8-related conditions. This variant is not present in population databases (gnomAD no frequency). This sequence change replaces cysteine, which is neutral and slightly polar, with serine, which is neutral and polar, at codon 2384 of the MEGF8 protein (p.Cys2384Ser). In summary, the available evidence is currently insufficient to determine the role of this variant in disease. Therefore, it has been classified as a Variant of Uncertain Significance.